The following is an entry in ClinVar:

ClinVar aggregate classification (germline): Likely benign. Review status: criteria provided, multiple submitters, no conflicts (2 of 4 stars). 2 submissions from 2 submitters: Likely benign (2). Last evaluated 2026-05-01.

Conditions:
Inborn genetic diseases. Identifiers: MedGen C0950123, MeSH D030342.

gnomAD v4.1: 14 of 1,613,926 alleles (0.00087%); highest among the groups gnomAD compares: Admixed American, 0.02%; no homozygotes.

Submissions (2):

CeGaT Center for Human Genetics Tuebingen
Classification: Likely benign. Last evaluated: 2026-05-01. Review status: criteria provided, single submitter. Criteria: CeGaT Center For Human Genetics Tuebingen Variant Classification Criteria Version 2. Collection method: clinical testing. Allele origin: germline. Affected: yes. Observed: 1 variant allele.
Comment: BPTF: BP4, BS2

Ambry Genetics
Classification: Likely benign for Inborn genetic diseases. Last evaluated: 2025-01-21. Review status: criteria provided, single submitter. Criteria: Ambry Variant Classification Scheme 2023. Collection method: clinical testing. Allele origin: germline.

NM_182641.4(BPTF):c.4577A>G (p.Asn1526Ser)

Gene: BPTF (bromodomain PHD finger transcription factor; plus strand). Cytogenetic location: 17q24.2.
Variant type: single nucleotide variant.
Coding change: c.4577A>G on transcript NM_182641.4 (MANE Select); coding-DNA position 4577, A replaced by G.
Protein change: p.Asn1526Ser; replaces asparagine 1526 with serine.
Molecular consequence: missense variant.
Genome position (GRCh38, 1-based): chr17:67,912,461, A>G. VCF-style: chr17-67912461-A-G. GRCh37 (hg19) VCF-style: chr17-65908577-A-G.
Other names: c.4955A>G, p.Asn1652Ser (NM_004459.7); short protein forms N1526S, N1652S.
Identifiers: ClinVar variation 3825204 (VCV003825204.3).